The following is an entry in ClinVar:

ClinVar aggregate classification (germline): Likely benign (0 of 4 stars; one submission).

Conditions:
TPP2-related disorder. Also called: TPP2-related condition.

Allele frequency attached by ClinVar (database versions not stated): gnomAD exomes below 0.00001; TOPMed below 0.00001; gnomAD 0.00001.
gnomAD v4.1: 7 of 1,613,928 alleles (0.00043%); highest among the groups gnomAD compares: Non-Finnish European, 0.00059%; no homozygotes.

Submission:

PreventionGenetics, part of Exact Sciences
Classification: Likely benign for TPP2-related condition. Last evaluated: 2023-02-22. Review status: no assertion criteria provided. Collection method: clinical testing. Allele origin: germline.
Comment: This variant is classified as likely benign based on ACMG/AMP sequence variant interpretation guidelines (Richards et al. 2015 PMID: 25741868, with internal and published modifications).

NM_001330588.2(TPP2):c.264G>A (p.Glu88=)

Gene: TPP2 (tripeptidyl peptidase 2; plus strand). Cytogenetic location: 13q33.1.
Variant type: single nucleotide variant.
Coding change: c.264G>A on transcript NM_001330588.2 (MANE Select); coding-DNA position 264, G replaced by A.
Protein change: p.Glu88=; no amino-acid change (glutamic acid 88 retained).
Molecular consequence: synonymous variant. On other transcripts: non-coding transcript variant (1).
Genome position (GRCh38, 1-based): chr13:102,604,891, G>A. VCF-style: chr13-102604891-G-A. GRCh37 (hg19) VCF-style: chr13-103257241-G-A.
Other names: c.264G>A, p.Glu88= (NM_001367947.1, NM_003291.4).
Identifiers: ClinVar variation 3032764 (VCV003032764.2), dbSNP rs1301850112, ClinGen allele CA484859043.